The following is an entry in ClinVar:

ClinVar aggregate classification (germline): Uncertain significance (1 of 4 stars; one submission).

Conditions:
Usher syndrome type 3B. Also called: USHER SYNDROME, TYPE IIIB. Identifiers: MedGen C3281066, MONDO:0013788, OMIM 614504.

Submission:

Labcorp Genetics (formerly Invitae), Labcorp
Classification: Uncertain significance for Usher syndrome type 3B. Last evaluated: 2024-09-28. Review status: criteria provided, single submitter. Criteria: Invitae Variant Classification Sherloc (09022015). Collection method: clinical testing. Allele origin: germline.
Comment: This sequence change replaces alanine, which is neutral and non-polar, with serine, which is neutral and polar, at codon 359 of the HARS protein (p.Ala359Ser). This variant is not present in population databases (gnomAD no frequency). This variant has not been reported in the literature in individuals affected with HARS-related conditions. ClinVar contains an entry for this variant (Variation ID: 1680310). Invitae Evidence Modeling of protein sequence and biophysical properties (such as structural, functional, and spatial information, amino acid conservation, physicochemical variation, residue mobility, and thermodynamic stability) indicates that this missense variant is not expected to disrupt HARS protein function with a negative predictive value of 80%. In summary, the available evidence is currently insufficient to determine the role of this variant in disease. Therefore, it has been classified as a Variant of Uncertain Significance.

NM_002109.6(HARS1):c.1075G>T (p.Ala359Ser)

Gene: HARS1 (histidyl-tRNA synthetase 1; minus strand). Cytogenetic location: 5q31.3.
Variant type: single nucleotide variant.
Coding change: c.1075G>T on transcript NM_002109.6 (MANE Select); coding-DNA position 1075, G replaced by T.
Protein change: p.Ala359Ser; replaces alanine 359 with serine.
Molecular consequence: missense variant.
Genome position (GRCh38, 1-based): chr5:140,676,773, C>A on the plus strand (G>T on the coding strand, the complement: HARS1 is on the minus strand). VCF-style: chr5-140676773-C-A. GRCh37 (hg19) VCF-style: chr5-140056358-C-A.
Other names: c.955G>T, p.Ala319Ser (NM_001258040.3); c.1015G>T, p.Ala339Ser (NM_001258041.3); c.895G>T, p.Ala299Ser (NM_001258042.3); c.853G>T, p.Ala285Ser (NM_001289092.2); c.733G>T, p.Ala245Ser (NM_001289093.2); c.988G>T, p.Ala330Ser (NM_001289094.2); short protein forms A245S, A285S, A299S, A319S, A330S, A339S, A359S.
Identifiers: ClinVar variation 1680310 (VCV001680310.6), dbSNP rs1562005042, ClinGen allele CA361251342.